The following is an entry in ClinVar:

NM_001127222.2(CACNA1A):c.284C>G (p.Thr95Ser)

Gene: CACNA1A (calcium voltage-gated channel subunit alpha1 A; minus strand). Cytogenetic location: 19p13.13.
Variant type: single nucleotide variant.
Coding change: c.284C>G on transcript NM_001127222.2 (MANE Select); coding-DNA position 284, C replaced by G.
Protein change: p.Thr95Ser; replaces threonine 95 with serine.
Molecular consequence: missense variant.
Genome position (GRCh38, 1-based): chr19:13,505,941, G>C on the plus strand (C>G on the coding strand, the complement: CACNA1A is on the minus strand). VCF-style: chr19-13505941-G-C. GRCh37 (hg19) VCF-style: chr19-13616755-G-C.
Other names: c.284C>G, p.Thr95Ser (NM_000068.4, NM_001127221.2, NM_001174080.2 and 1 more transcripts); short protein forms T95S.
Identifiers: ClinVar variation 2013172 (VCV002013172.4), dbSNP rs2513708544, ClinGen allele CA404970795.

ClinVar aggregate classification (germline): Uncertain significance (1 of 4 stars; one submission).

Conditions:
Episodic ataxia type 2 (EA2). Also called: ATAXIA, EPISODIC, WITH NYSTAGMUS; ATAXIA, FAMILIAL PAROXYSMAL; CEREBELLAR ATAXIA, PAROXYSMAL, ACETAZOLAMIDE-RESPONSIVE; CEREBELLOPATHY, HEREDITARY PAROXYSMAL; ACETAZOLAMIDE-RESPONSIVE HEREDITARY PAROXYSMAL CEREBELLAR ATAXIA; EPISODIC ATAXIA, NYSTAGMUS-ASSOCIATED. Identifiers: Orphanet 97, MedGen C1720416, MONDO:0007163, OMIM 108500.
Developmental and epileptic encephalopathy, 42 (DEE42A). Also called: Epileptic encephalopathy, early infantile, 42; DEVELOPMENTAL AND EPILEPTIC ENCEPHALOPATHY 42A; EPILEPTIC ENCEPHALOPATHY, EARLY INFANTILE, 42A. Identifiers: MedGen C4310716, MONDO:0014917, OMIM 617106.

Submission:

Labcorp Genetics (formerly Invitae), Labcorp
Classification: Uncertain significance for Developmental and epileptic encephalopathy, 42; Episodic ataxia type 2. Last evaluated: 2021-11-28. Review status: criteria provided, single submitter. Criteria: Invitae Variant Classification Sherloc (09022015). Collection method: clinical testing. Allele origin: germline.
Comment: Advanced modeling of protein sequence and biophysical properties (such as structural, functional, and spatial information, amino acid conservation, physicochemical variation, residue mobility, and thermodynamic stability) performed at Invitae indicates that this missense variant is not expected to disrupt CACNA1A protein function. In summary, the available evidence is currently insufficient to determine the role of this variant in disease. Therefore, it has been classified as a Variant of Uncertain Significance. This variant has not been reported in the literature in individuals affected with CACNA1A-related conditions. This variant is not present in population databases (gnomAD no frequency). This sequence change replaces threonine, which is neutral and polar, with serine, which is neutral and polar, at codon 95 of the CACNA1A protein (p.Thr95Ser).